The following is an entry in ClinVar:

NM_001080.3(ALDH5A1):c.518G>T (p.Arg173Leu)

Gene: ALDH5A1 (aldehyde dehydrogenase 5 family member A1; plus strand). Cytogenetic location: 6p22.3.
Variant type: single nucleotide variant.
Coding change: c.518G>T on transcript NM_001080.3 (MANE Select); coding-DNA position 518, G replaced by T.
Protein change: p.Arg173Leu; replaces arginine 173 with leucine.
Molecular consequence: missense variant.
Genome position (GRCh38, 1-based): chr6:24,503,342, G>T. VCF-style: chr6-24503342-G-T. GRCh37 (hg19) VCF-style: chr6-24503570-G-T.
Other names: c.518G>T, p.Arg173Leu (NM_001368954.1, NM_170740.1); short protein forms R173L.
Identifiers: ClinVar variation 1355675 (VCV001355675.8), dbSNP rs369366567, ClinGen allele CA362969558.
Genomic context (GRCh38, chr6:24,503,342, plus strand): 5'-CACATGGAGAAATTCTCTATTCCGCCTTTTTCCTAGAGTGGTTCTCTGAGGAAGCCCGCC[G>T]TGTTTACGGAGACATTATCCACACCCCGGCAAAGGACAGGCGGGCCCTGGTCCTCAAGCA-3'
Protein context (NP_001071.1, residues 163-183): FLEWFSEEAR[Arg173Leu]VYGDIIHTPA

ClinVar aggregate classification (germline): Uncertain significance (1 of 4 stars; one submission).

Conditions:
Succinate-semialdehyde dehydrogenase deficiency (SSADHD). Also called: SSADH DEFICIENCY; 4-HYDROXYBUTYRIC ACIDURIA; GABA METABOLIC DEFECT; Succinic Semialdehyde Dehydrogenase Deficiency. Identifiers: Orphanet 22, MedGen C0268631, MONDO:0010083, OMIM 271980.

Submission:

Labcorp Genetics (formerly Invitae), Labcorp
Classification: Uncertain significance for Succinate-semialdehyde dehydrogenase deficiency. Last evaluated: 2022-06-27. Review status: criteria provided, single submitter. Criteria: Invitae Variant Classification Sherloc (09022015). Collection method: clinical testing. Allele origin: germline.
Comment: This sequence change replaces arginine, which is basic and polar, with leucine, which is neutral and non-polar, at codon 173 of the ALDH5A1 protein (p.Arg173Leu). In summary, the available evidence is currently insufficient to determine the role of this variant in disease. Therefore, it has been classified as a Variant of Uncertain Significance. Advanced modeling of protein sequence and biophysical properties (such as structural, functional, and spatial information, amino acid conservation, physicochemical variation, residue mobility, and thermodynamic stability) performed at Invitae indicates that this missense variant is expected to disrupt ALDH5A1 protein function. This variant has not been reported in the literature in individuals affected with ALDH5A1-related conditions. This variant is not present in population databases (gnomAD no frequency).